The following is an entry in ClinVar:

NM_001048174.2(MUTYH):c.1067G>C (p.Gly356Ala)

Gene: MUTYH (mutY DNA glycosylase; minus strand). Cytogenetic location: 1p34.1.
Variant type: single nucleotide variant.
Coding change: c.1067G>C on transcript NM_001048174.2 (MANE Select); coding-DNA position 1067, G replaced by C.
Protein change: p.Gly356Ala; replaces glycine 356 with alanine.
Molecular consequence: missense variant. On other transcripts: non-coding transcript variant (7).
Genome position (GRCh38, 1-based): chr1:45,331,696, C>G on the plus strand (G>C on the coding strand, the complement: MUTYH is on the minus strand). VCF-style: chr1-45331696-C-G. GRCh37 (hg19) VCF-style: chr1-45797368-C-G.
Other names: c.1067G>C, p.Gly356Ala (NM_001293195.2, NM_001407070.1, NM_001407072.1 and 6 more transcripts); c.791G>C, p.Gly264Ala (NM_001293196.2, NM_001407091.1, NM_001293192.2); c.722G>C, p.Gly241Ala (NM_001350650.2, NM_001350651.2, NM_001407082.1); c.1100G>C, p.Gly367Ala (NM_001407069.1, NM_001293191.2, NM_001407077.1); c.1070G>C, p.Gly357Ala (NM_001407071.1, NM_001048172.2, NM_001407078.1 and 1 more transcripts); c.1088G>C, p.Gly363Ala (NM_001407087.1); c.1142G>C, p.Gly381Ala (NM_012222.3); c.1151G>C, p.Gly384Ala (NM_001128425.2); and 5 more; short protein forms G342A, G356A, G357A, G384A, G370A, G381A, G328A, G367A.
Identifiers: ClinVar variation 4113059 (VCV004113059.1).

ClinVar aggregate classification (germline): Uncertain significance (1 of 4 stars; one submission).

Conditions:
Hereditary cancer-predisposing syndrome. Also called: Tumor predisposition; Neoplastic Syndromes, Hereditary; Hereditary neoplastic syndrome; Hereditary Cancer Syndrome. Identifiers: Orphanet 140162, MedGen C0027672, MeSH D009386, MONDO:0015356.

Submission:

Ambry Genetics
Classification: Uncertain significance for Hereditary cancer-predisposing syndrome. Last evaluated: 2025-08-27. Review status: criteria provided, single submitter. Criteria: Ambry Variant Classification Scheme 2023. Collection method: clinical testing. Allele origin: germline.
Comment: The p.G384A variant (also known as c.1151G>C), located in coding exon 12 of the MUTYH gene, results from a G to C substitution at nucleotide position 1151. The glycine at codon 384 is replaced by alanine, an amino acid with similar properties. This amino acid position is conserved. In addition, the in silico prediction for this alteration is inconclusive. Based on the available evidence, the clinical significance of this variant remains unclear.